The following is an entry in ClinVar:

NM_015895.5(GMNN):c.628T>C (p.Ter210Arg)

Gene: GMNN (geminin DNA replication inhibitor; plus strand). Cytogenetic location: 6p22.3.
Variant type: single nucleotide variant.
Coding change: c.628T>C on transcript NM_015895.5 (MANE Select); coding-DNA position 628, T replaced by C.
Protein change: p.Ter210Arg.
Molecular consequence: stop lost.
Genome position (GRCh38, 1-based): chr6:24,785,797, T>C. VCF-style: chr6-24785797-T-C. GRCh37 (hg19) VCF-style: chr6-24786025-T-C.
Other names: c.628T>C, p.Ter210Arg (NM_001251989.2, NM_001251990.2, NM_001251991.1).
Identifiers: ClinVar variation 4701647 (VCV004701647.1).

ClinVar aggregate classification (germline): Uncertain significance (1 of 4 stars; one submission).

gnomAD v4.1: 10 of 1,559,658 alleles (0.00064%); highest among the groups gnomAD compares: Non-Finnish European, 0.00087%; no homozygotes.

Submission:

Labcorp Genetics (formerly Invitae), Labcorp
Classification: Uncertain significance. Last evaluated: 2025-05-19. Review status: criteria provided, single submitter. Criteria: Invitae Variant Classification Sherloc (09022015). Collection method: clinical testing. Allele origin: germline.
Comment: This sequence change disrupts the translational stop signal of the GMNN mRNA. It is expected to extend the length of the GMNN protein by 8 additional amino acid residues. This variant is present in population databases (rs757538616, gnomAD 0.005%). This variant has not been reported in the literature in individuals affected with GMNN-related conditions. Experimental studies and prediction algorithms are not available or were not evaluated, and the functional significance of this variant is currently unknown. In summary, the available evidence is currently insufficient to determine the role of this variant in disease. Therefore, it has been classified as a Variant of Uncertain Significance.